The following is an entry in ClinVar:

ClinVar aggregate classification (germline): Uncertain significance (1 of 4 stars; one submission).

Conditions:
Multiple congenital exostosis (EXT). Also called: Hereditary multiple osteochondromas; Hereditary multiple exostoses; Hereditary multiple exostosis; Multiple osteochondromas; MULTIPLE CARTILAGINOUS EXOSTOSES; Multiple exostoses. Identifiers: Orphanet 321, MedGen C0015306, MONDO:0005508, HP:0002762.

gnomAD v4.1: 5 of 1,613,886 alleles (0.00031%); highest among the groups gnomAD compares: Non-Finnish European, 0.00042%; no homozygotes.

Submission:

Labcorp Genetics (formerly Invitae), Labcorp
Classification: Uncertain significance for Multiple congenital exostosis. Last evaluated: 2024-04-06. Review status: criteria provided, single submitter. Criteria: Invitae Variant Classification Sherloc (09022015). Collection method: clinical testing. Allele origin: germline.
Comment: This sequence change falls in intron 9 of the EXT1 gene. It does not directly change the encoded amino acid sequence of the EXT1 protein. It affects a nucleotide within the consensus splice site. This variant is not present in population databases (gnomAD no frequency). This variant has not been reported in the literature in individuals affected with EXT1-related conditions. Variants that disrupt the consensus splice site are a relatively common cause of aberrant splicing (PMID: 17576681, 9536098). Algorithms developed to predict the effect of sequence changes on RNA splicing suggest that this variant is not likely to affect RNA splicing. In summary, the available evidence is currently insufficient to determine the role of this variant in disease. Therefore, it has been classified as a Variant of Uncertain Significance.

Literature cited by the submitters: PubMed 17576681; PubMed 9536098.

NM_000127.3(EXT1):c.1884-3C>T

Gene: EXT1 (exostosin glycosyltransferase 1; minus strand). Cytogenetic location: 8q24.11.
Variant type: single nucleotide variant.
Coding change: c.1884-3C>T on transcript NM_000127.3 (MANE Select); 3 bases into the intron before coding-DNA position 1884, C replaced by T.
Molecular consequence: intron variant.
Genome position (GRCh38, 1-based): chr8:117,804,896, G>A on the plus strand (C>T on the coding strand, the complement: EXT1 is on the minus strand). VCF-style: chr8-117804896-G-A. GRCh37 (hg19) VCF-style: chr8-118817135-G-A.
Identifiers: ClinVar variation 3628301 (VCV003628301.2).
Genomic context (GRCh38, chr8:117,804,896, plus strand): 5'-GTCCACCATGTTCTTCAGGCTGGCTGGCAGGTAATGGGAGTATAGGTAGTGATAATATCT[G>A]TAAAAATCAAAGATGGGTTTCACAGGGGGCCATTATCACATGATGACAAGTGGACTTCTG-3'